The following is an entry in ClinVar:

ClinVar aggregate classification (germline): Uncertain significance (1 of 4 stars; one submission).

Submission:

Mayo Clinic Laboratories, Mayo Clinic
Classification: Uncertain significance. Last evaluated: 2024-09-10. Review status: criteria provided, single submitter. Criteria: ACMG Guidelines, 2015. Collection method: clinical testing. Allele origin: germline. Observed: 1 variant allele.
Comment: PM2

NM_000382.3(ALDH3A2):c.1064G>A (p.Arg355His)

Gene: ALDH3A2 (aldehyde dehydrogenase 3 family member A2; plus strand). Cytogenetic location: 17p11.2.
Variant type: single nucleotide variant.
Coding change: c.1064G>A on transcript NM_000382.3 (MANE Select); coding-DNA position 1064, G replaced by A.
Protein change: p.Arg355His; replaces arginine 355 with histidine.
Molecular consequence: missense variant.
Genome position (GRCh38, 1-based): chr17:19,663,456, G>A. VCF-style: chr17-19663456-G-A. GRCh37 (hg19) VCF-style: chr17-19566769-G-A.
Other names: p.Arg355His; c.1064G>A, p.Arg355His (NM_001031806.2, NM_001369136.1, NM_001369137.2 and 3 more transcripts); c.485G>A, p.Arg162His (NM_001369148.2); short protein forms R162H, R355H.
Identifiers: ClinVar variation 3380476 (VCV003380476.1).